The following is an entry in ClinVar:

NM_016030.6(TRAPPC12):c.496C>A (p.Arg166Ser)

Gene: TRAPPC12 (trafficking protein particle complex subunit 12; plus strand). Cytogenetic location: 2p25.3.
Variant type: single nucleotide variant.
Coding change: c.496C>A on transcript NM_016030.6 (MANE Select); coding-DNA position 496, C replaced by A.
Protein change: p.Arg166Ser; replaces arginine 166 with serine.
Molecular consequence: missense variant.
Genome position (GRCh38, 1-based): chr2:3,388,119, C>A. VCF-style: chr2-3388119-C-A. GRCh37 (hg19) VCF-style: chr2-3391890-C-A.
Other names: c.496C>A, p.Arg166Ser (NM_001321102.2); short protein forms R166S.
Identifiers: ClinVar variation 1029570 (VCV001029570.5), dbSNP rs758495770, ClinGen allele CA1515093.
Genomic context (GRCh38, chr2:3,388,119, plus strand): 5'-CGCCCGGAGCAGGAGCCTCCCGTTGCGGAGCCGGTCCCGGTGTGCACCATCTTCAGCCAG[C>A]GCGCGCCCCCAGCCTCCGGGGACGGCTTCGAGCCGCAGATGGTGAAGTCGCCCAGCTTCG-3'
Protein context (NP_057114.5, residues 156-176): PVPVCTIFSQ[Arg166Ser]APPASGDGFE

ClinVar aggregate classification (germline): Uncertain significance. Review status: criteria provided, multiple submitters, no conflicts (2 of 4 stars). 3 submissions from 3 submitters: Uncertain significance (3). Last evaluated 2022-07-15.

Conditions:
Early-onset progressive encephalopathy-hearing loss-pons hypoplasia-brain atrophy syndrome. Also called: ENCEPHALOPATHY, PROGRESSIVE, EARLY-ONSET, WITH BRAIN ATROPHY AND SPASTICITY. Identifiers: Orphanet 500144, MedGen C5567229, MONDO:0044696, OMIM 617669.

Allele frequency attached by ClinVar (database versions not stated): gnomAD exomes 0.00003 and 0.00007; ExAC 0.00017; gnomAD 0.00018 and 0.00020; TOPMed 0.00019.
gnomAD v4.1: 73 of 1,576,272 alleles (0.0046%); highest among the groups gnomAD compares: African/African-American, 0.054%; no homozygotes.

Submissions (3):

Labcorp Genetics (formerly Invitae), Labcorp
Classification: Uncertain significance. Last evaluated: 2022-07-15. Review status: criteria provided, single submitter. Criteria: Invitae Variant Classification Sherloc (09022015). Collection method: clinical testing. Allele origin: germline.
Comment: In summary, the available evidence is currently insufficient to determine the role of this variant in disease. Therefore, it has been classified as a Variant of Uncertain Significance. Algorithms developed to predict the effect of missense changes on protein structure and function are either unavailable or do not agree on the potential impact of this missense change (SIFT: "Not Available"; PolyPhen-2: "Benign"; Align-GVGD: "Not Available"). ClinVar contains an entry for this variant (Variation ID: 1029570). This variant has not been reported in the literature in individuals affected with TRAPPC12-related conditions. This variant is present in population databases (rs758495770, gnomAD 0.05%). This sequence change replaces arginine, which is basic and polar, with serine, which is neutral and polar, at codon 166 of the TRAPPC12 protein (p.Arg166Ser).

AiLife Diagnostics
Classification: Uncertain significance. Last evaluated: 2022-02-16. Review status: criteria provided, single submitter. Criteria: ACMG Guidelines, 2015. Collection method: clinical testing. Allele origin: germline. Affected: yes. Observed: 1 variant allele.

Baylor Genetics
Classification: Uncertain significance for Early-onset progressive encephalopathy-hearing loss-pons hypoplasia-brain atrophy syndrome. Last evaluated: 2019-12-09. Review status: criteria provided, single submitter. Criteria: ACMG Guidelines, 2015. Collection method: clinical testing. Allele origin: unknown. Affected: yes.
Comment: This variant was determined to be of uncertain significance according to ACMG Guidelines, 2015 [PMID:25741868].